The following is an entry in ClinVar:

ClinVar aggregate classification (germline): Uncertain significance (1 of 4 stars; one submission).

Submission:

Labcorp Genetics (formerly Invitae), Labcorp
Classification: Uncertain significance. Last evaluated: 2022-12-10. Review status: criteria provided, single submitter. Criteria: Invitae Variant Classification Sherloc (09022015). Collection method: clinical testing. Allele origin: germline.
Comment: In summary, the available evidence is currently insufficient to determine the role of this variant in disease. Therefore, it has been classified as a Variant of Uncertain Significance. Advanced modeling of protein sequence and biophysical properties (such as structural, functional, and spatial information, amino acid conservation, physicochemical variation, residue mobility, and thermodynamic stability) has been performed at Invitae for this missense variant, however the output from this modeling did not meet the statistical confidence thresholds required to predict the impact of this variant on KMT2A protein function. This variant has not been reported in the literature in individuals affected with KMT2A-related conditions. This variant is not present in population databases (gnomAD no frequency). This sequence change replaces threonine, which is neutral and polar, with alanine, which is neutral and non-polar, at codon 1136 of the KMT2A protein (p.Thr1136Ala).

NM_001197104.2(KMT2A):c.3406A>G (p.Thr1136Ala)

Gene: KMT2A (lysine methyltransferase 2A; plus strand). Cytogenetic location: 11q23.3.
Variant type: single nucleotide variant.
Coding change: c.3406A>G on transcript NM_001197104.2 (MANE Select); coding-DNA position 3406, A replaced by G.
Protein change: p.Thr1136Ala; replaces threonine 1136 with alanine.
Molecular consequence: missense variant.
Genome position (GRCh38, 1-based): chr11:118,478,038, A>G. VCF-style: chr11-118478038-A-G. GRCh37 (hg19) VCF-style: chr11-118348753-A-G.
Other names: c.3505A>G, p.Thr1169Ala (NM_001412597.1); c.3406A>G, p.Thr1136Ala (NM_005933.4); short protein forms T1136A, T1169A.
Identifiers: ClinVar variation 2792034 (VCV002792034.3), dbSNP rs2496840903, ClinGen allele CA382824547.